The following is an entry in ClinVar:

NM_005051.3(QARS1):c.-21T>C

Gene: QARS1 (glutaminyl-tRNA synthetase 1; minus strand). Cytogenetic location: 3p21.31.
Variant type: single nucleotide variant.
Coding change: c.-21T>C on transcript NM_005051.3 (MANE Select); 21 bases upstream of the start codon, T replaced by C.
Molecular consequence: 5 prime UTR variant. On other transcripts: non-coding transcript variant (1).
Genome position (GRCh38, 1-based): chr3:49,104,754, A>G on the plus strand (T>C on the coding strand, the complement: QARS1 is on the minus strand). VCF-style: chr3-49104754-A-G. GRCh37 (hg19) VCF-style: chr3-49142187-A-G.
Other names: c.-21T>C (NM_001272073.2).
Identifiers: ClinVar variation 389850 (VCV000389850.2), dbSNP rs372058541, ClinGen allele CA2392359.
Genomic context (GRCh38, chr3:49,104,754, plus strand): 5'-CGAGGCTAGTGAAGAGCGACAGGGAGTCTAGAGCCGCCATTGCAGAGACACCGGAAACTA[A>G]AAGAAACTTAGGCCCCAGTCTGCAGGTCGGCATTCACTCGCTGACCAATGAGAGTGAAGC-3'

ClinVar aggregate classification (germline): Likely benign. Review status: criteria provided, multiple submitters, no conflicts (2 of 4 stars). 2 submissions from 2 submitters: Likely benign (2). Last evaluated 2017-09-27.

Allele frequency attached by ClinVar (database versions not stated): gnomAD exomes 0.00002 and 0.00004; ExAC 0.00004; gnomAD 0.00004; TOPMed 0.00006; ESP Exome Variant Server 0.00008.

Submissions (2):

GeneDx
Classification: Likely benign. Last evaluated: 2017-09-27. Review status: criteria provided, single submitter. Criteria: GeneDx Variant Classification (06012015). Collection method: clinical testing. Allele origin: germline. Affected: yes.
Comment: This variant is considered likely benign or benign based on one or more of the following criteria: it is a conservative change, it occurs at a poorly conserved position in the protein, it is predicted to be benign by multiple in silico algorithms, and/or has population frequency not consistent with disease.

Breakthrough Genomics
Classification: Likely benign. Review status: criteria provided, single submitter. Criteria: ACMG Guidelines, 2015. Collection method: not provided. Allele origin: germline. Inheritance: Autosomal recessive inheritance. Affected: yes.